The following is an entry in ClinVar:

NM_001388453.1(QRICH2):c.3765G>A (p.Thr1255=)

Gene: QRICH2 (glutamine rich 2; minus strand). Cytogenetic location: 17q25.1.
Variant type: single nucleotide variant.
Coding change: c.3765G>A on transcript NM_001388453.1 (MANE Select); coding-DNA position 3765, G replaced by A.
Protein change: p.Thr1255=; no amino-acid change (threonine 1255 retained).
Molecular consequence: synonymous variant. On other transcripts: non-coding transcript variant (1).
Genome position (GRCh38, 1-based): chr17:76,290,025, C>T on the plus strand (G>A on the coding strand, the complement: QRICH2 is on the minus strand). VCF-style: chr17-76290025-C-T. GRCh37 (hg19) VCF-style: chr17-74286106-C-T.
Other names: c.3765G>A, p.Thr1255= (NM_032134.3).
Identifiers: ClinVar variation 3059486 (VCV003059486.2), dbSNP rs4789274, ClinGen allele CA8783750.

ClinVar aggregate classification (germline): Benign (0 of 4 stars; one submission).

Conditions:
QRICH2-related disorder. Also called: QRICH2-related condition.

Allele frequency attached by ClinVar (database versions not stated): ESP Exome Variant Server 0.39874; TOPMed 0.40593; 1000 Genomes Project 0.45407; 1000 Genomes Project 30x 0.45581.
gnomAD v4.1: 505,359 of 1,605,090 alleles (31%); highest among the groups gnomAD compares: East Asian, 61%; 86,431 homozygotes.

Submission:

PreventionGenetics, part of Exact Sciences
Classification: Benign for QRICH2-related condition. Last evaluated: 2021-04-10. Review status: no assertion criteria provided. Collection method: clinical testing. Allele origin: germline.
Comment: This variant is classified as benign based on ACMG/AMP sequence variant interpretation guidelines (Richards et al. 2015 PMID: 25741868, with internal and published modifications).